The following is an entry in ClinVar:

ClinVar aggregate classification (germline): Uncertain significance. Review status: criteria provided, single submitter (1 of 4 stars). 2 submissions from 2 submitters: Uncertain significance (1). 1 of the submissions does not count toward it. Last evaluated 2025-11-06.

Conditions:
Wilson disease (WND). Also called: Wilson's disease. Identifiers: Orphanet 905, MedGen C0019202, MONDO:0010200, OMIM 277900. Disease mechanism: loss of function.

gnomAD v4.1: 1 of 1,613,510 alleles (0.000062%); highest among the groups gnomAD compares: Non-Finnish European, 0.000085%; no homozygotes.

Submissions (2):

Women's Health and Genetics/Laboratory Corporation of America, LabCorp
Classification: Uncertain significance. Last evaluated: 2025-11-06. Review status: criteria provided, single submitter. Criteria: LabCorp Variant Classification Summary - May 2015. Collection method: clinical testing. Allele origin: germline.
Comment: Variant summary: ATP7B c.2975C>A (p.Pro992His) results in a non-conservative amino acid change in the encoded protein sequence. Algorithms developed to predict the effect of missense changes on protein structure and function all suggest that this variant is likely to be disruptive. The variant was absent in 248476 control chromosomes. The available data on variant occurrences in the general population are insufficient to allow any conclusion about variant significance. c.2975C>A has been observed in individuals affected with Wilson Disease (Kumar_2005); however, the genotypes in these individuals have not clearly specified. These report(s) do not provide unequivocal conclusions about association of the variant with Wilson Disease. A different variant affecting the same codon has been classified as likely pathogenic/pathogenic by our lab (c.2975C>T, p.Pro992Leu), supporting the critical relevance of codon 992 to ATP7B protein function. To our knowledge, no experimental evidence demonstrating an impact on protein function has been reported. ClinVar contains an entry for this variant (Variation ID: 553828). Based on the evidence outlined above, the variant was classified as VUS-possibly pathogenic.

Counsyl
Classification: Uncertain significance for Wilson disease. Last evaluated: 2017-09-08. Review status: no assertion criteria provided. Collection method: clinical testing. Allele origin: unknown. Not counted in ClinVar's aggregate classification.

Literature cited by the submitters: PubMed 22941676 (cited by Women's Health and Genetics/Laboratory Corporation of America, LabCorp); PubMed 24253677 (cited by Counsyl); PubMed 15811015 (cited by Counsyl); PubMed 22692182 (cited by Counsyl).

NM_000053.4(ATP7B):c.2975C>A (p.Pro992His)

Gene: ATP7B (ATPase copper transporting beta; minus strand). Cytogenetic location: 13q14.3.
Variant type: single nucleotide variant.
Coding change: c.2975C>A on transcript NM_000053.4 (MANE Select); coding-DNA position 2975, C replaced by A.
Protein change: p.Pro992His; replaces proline 992 with histidine.
Molecular consequence: missense variant.
Genome position (GRCh38, 1-based): chr13:51,946,369, G>T on the plus strand (C>A on the coding strand, the complement: ATP7B is on the minus strand). VCF-style: chr13-51946369-G-T. GRCh37 (hg19) VCF-style: chr13-52520505-G-T.
Other names: c.2354C>A, p.Pro785His (NM_001005918.3); c.2642C>A, p.Pro881His (NM_001243182.2); c.2741C>A, p.Pro914His (NM_001330578.2); c.2723C>A, p.Pro908His (NM_001330579.2); short protein forms P992H, P881H, P785H, P914H, P908H.
Identifiers: ClinVar variation 553828 (VCV000553828.3), dbSNP rs201038679, ClinGen allele CA388032212.